The following is an entry in ClinVar:

ClinVar aggregate classification (germline): Likely pathogenic. Review status: criteria provided, multiple submitters, no conflicts (2 of 4 stars). 3 submissions from 3 submitters: Likely pathogenic (3). Last evaluated 2025-06-11.

Conditions:
Familial melanoma. Also called: Hereditary melanoma; Hereditary cutaneous melanoma. Identifiers: Orphanet 618, MedGen C1512419, MONDO:0018961.
Hereditary cancer-predisposing syndrome. Also called: Neoplastic Syndromes, Hereditary; Hereditary Cancer Syndrome; Tumor predisposition; Hereditary neoplastic syndrome. Identifiers: Orphanet 140162, MedGen C0027672, MeSH D009386, MONDO:0015356.
Melanoma-pancreatic cancer syndrome. Identifiers: Orphanet 404560, MedGen C1838547, MONDO:0011713, OMIM 606719. Disease mechanism: loss of function.

Submissions (3):

Ambry Genetics
Classification: Likely pathogenic for Hereditary cancer-predisposing syndrome. Last evaluated: 2025-06-11. Review status: criteria provided, single submitter. Criteria: Ambry Variant Classification Scheme 2023. Collection method: clinical testing. Allele origin: germline.
Comment: The c.202_203delGCinsTT variant (also known as p.A68L) is located in coding exon 2 of the CDKN2A gene and results from an in-frame deletion of GC and insertion of TT between nucleotide positions 202 and 203. The alanine at codon 68 is replaced by leucine. This variant has been previously reported in several kindreds with malignant melanoma (Pastorino L et al, Pigment Cell Melanoma Res 2008 Dec; 21(6):700-9; Cust AE et al, J. Med. Genet. 2011 Apr; 48(4):266-72; Maubec E et al. J Am Acad Dermatol 2012 Dec;67(6):1257-64; Bruno W et al. J Am Acad Dermatol 2016 Feb;74(2):325-32; De Simone P et al. Int J Mol Sci, 2020 Dec;21). In one family, the alteration was found to segregate with disease in four individuals (Soufir N et al, Hum. Mol. Genet. 1998 Feb; 7(2):209-16). This variant was also detected in 1/422 Italian pancreatic cancer patients (Puccini A et al. Cancers (Basel), 2022 Sep;14). In addition, functional studies of A68L mutants have demonstrated decreased binding affinity to CDK4, irregular nuclear localization, and reduced mediation of cell-cycle arrest compared to wild type (Rizos H et al, J. Biol. Chem. 2001 Nov; 276(44):41424-34; McKenzie HA et al. Hum Mutat 2010 Jun;31(6):692-701; Miller PJ et al, Hum. Mutat. 2011 Aug; 32(8):900-11). This variant is considered to be rare based on population cohorts in the Genome Aggregation Database (gnomAD). This amino acid position is highly conserved in available vertebrate species. Based on the majority of available evidence to date, this variant is likely to be pathogenic.

Labcorp Genetics (formerly Invitae), Labcorp
Classification: Likely pathogenic for Familial melanoma. Last evaluated: 2024-03-09. Review status: criteria provided, single submitter. Criteria: Invitae Variant Classification Sherloc (09022015). Collection method: clinical testing. Allele origin: germline.
Comment: The CDKN2A gene encodes two different proteins, p16INK4a and p14ARF, which are translated from alternative transcripts with different open reading frames. Both transcripts have been analyzed. We report either the variant with the higher classification or default to the CDKN2A (p16INK4a) variant. This report therefore includes the details for the CDKN2A (p16INK4a) variant. This sequence change replaces alanine, which is neutral and non-polar, with leucine, which is neutral and non-polar, at codon 68 of the CDKN2A (p16INK4a) protein (p.Ala68Leu). Information on the frequency of this variant in the gnomAD database is not available, as this variant may be reported differently in the database. This missense change has been observed in individual(s) with cutaneous melanoma, pancreatic cancer and/or renal cancer (PMID: 9425228, 18983535, 25780468, 30274933, 30291219, 32782288, 36139606). It has also been observed to segregate with disease in related individuals. This variant is also known as c.245_246delinsTT (p.Arg82Leu) in the CDKN2A (p14ARF) transcript. ClinVar contains an entry for this variant (Variation ID: 230375). An algorithm developed to predict the effect of missense changes on protein structure and function (PolyPhen-2) suggests that this variant is likely to be disruptive. Experimental studies have shown that this missense change affects CDKN2A (p16INK4a) function (PMID: 11518711, 19260062, 20340136, 21462282). This variant disrupts the p.Ala68 amino acid residue in CDKN2A (p16INK4a). Other variant(s) that disrupt this residue have been observed in individuals with CDKN2A (p16INK4a)-related conditions (Invitae), which suggests that this may be a clinically significant amino acid residue. In summary, the currently available evidence indicates that the variant is pathogenic. In the absence of additional clinical evidence, this variant has been classified as Likely Pathogenic. While this evidence indicates that the variant confers risk of developing CDKN2A (p16INK4a)-associated conditions, the association of this variant with risk for developing CDKN2A (p14ARF)-associated conditions is still unclear.

Myriad Genetics, Inc.
Classification: Likely pathogenic for Melanoma-pancreatic cancer syndrome. Last evaluated: 2023-03-08. Review status: criteria provided, single submitter. Criteria: Myriad Autosomal Dominant, Autosomal Recessive and X-Linked Classification Criteria (2023). Collection method: clinical testing. Allele origin: unknown.
Comment: This variant is considered likely pathogenic. This variant is expected to disrupt protein structure [Myriad internal data]. Functional studies indicate this variant impacts protein function [PMID: 20340136, 11518711]. This variant has been reported in multiple individuals with clinical features of gene-specific disease [PMID: 9425228, 26775776, 25780468].

Literature cited by the submitters: PubMed 11518711 (cited by 3 submitters); PubMed 18983535 (cited by Ambry Genetics and Labcorp Genetics (formerly Invitae), Labcorp); PubMed 20340136 (cited by 3 submitters); PubMed 21325014 (cited by Ambry Genetics); PubMed 21462282 (cited by Ambry Genetics and Labcorp Genetics (formerly Invitae), Labcorp); PubMed 22841127 (cited by Ambry Genetics); PubMed 26775776 (cited by Ambry Genetics and Myriad Genetics, Inc.); PubMed 33322357 (cited by Ambry Genetics); PubMed 36139606 (cited by Ambry Genetics and Labcorp Genetics (formerly Invitae), Labcorp); PubMed 9425228 (cited by 3 submitters); PubMed 25780468 (cited by Labcorp Genetics (formerly Invitae), Labcorp and Myriad Genetics, Inc.); PubMed 30274933 (cited by Labcorp Genetics (formerly Invitae), Labcorp); PubMed 30291219 (cited by Labcorp Genetics (formerly Invitae), Labcorp); PubMed 32782288 (cited by Labcorp Genetics (formerly Invitae), Labcorp); PubMed 19260062 (cited by Labcorp Genetics (formerly Invitae), Labcorp).

NM_000077.5(CDKN2A):c.202_203delinsTT (p.Ala68Leu)

Gene: CDKN2A (cyclin dependent kinase inhibitor 2A; minus strand). Cytogenetic location: 9p21.3.
Variant type: Indel.
Coding change: c.202_203delinsTT on transcript NM_000077.5; coding-DNA positions 202 to 203, GC replaced by TT.
Protein change: p.Ala68Leu; replaces alanine 68 with leucine.
Molecular consequence: missense variant (on NM_000077.6). On other transcripts: 3 prime UTR variant (1).
Genome position (GRCh38, 1-based): chr9:21,971,156-21,971,157, GC replaced by AA on the plus strand (GC replaced by TT on the coding strand, the reverse complement: CDKN2A is on the minus strand). VCF-style: chr9-21971156-GC-AA. GRCh37 (hg19) VCF-style: chr9-21971155-GC-AA.
Other names: c.202_203delGCinsTT, p.Ala68Leu (NM_000077.6); c.202_203delinsTT, p.Ala68Leu (NM_001195132.2); c.49_50delinsTT, p.Ala17Leu (NM_001363763.2); c.245_246delinsTT, p.Arg82Leu (NM_058195.4); c.*125_*126delinsTT (NM_058197.5); short protein forms R82L, A17L, A68L.
Identifiers: ClinVar variation 230375 (VCV000230375.17), dbSNP rs876658534, ClinGen allele CA10578845.